The following is an entry in ClinVar:

ClinVar aggregate classification (germline): Likely pathogenic (1 of 4 stars; one submission).

Conditions:
HYPERHOMOCYSTEINEMIA, THROMBOTIC, CBS-RELATED. Identifiers: MedGen C3150344, OMIM 236200.

Submission:

Labcorp Genetics (formerly Invitae), Labcorp
Classification: Likely pathogenic for HYPERHOMOCYSTEINEMIA, THROMBOTIC, CBS-RELATED. Last evaluated: 2023-07-16. Review status: criteria provided, single submitter. Criteria: Invitae Variant Classification Sherloc (09022015). Collection method: clinical testing. Allele origin: germline.
Comment: In summary, the currently available evidence indicates that the variant is pathogenic, but additional data are needed to prove that conclusively. Therefore, this variant has been classified as Likely Pathogenic. This variant disrupts the p.Arg336 amino acid residue in CBS. Other variant(s) that disrupt this residue have been determined to be pathogenic (PMID: 9870207, 22267502, 23974653, 25218699). This suggests that this residue is clinically significant, and that variants that disrupt this residue are likely to be disease-causing. Advanced modeling of protein sequence and biophysical properties (such as structural, functional, and spatial information, amino acid conservation, physicochemical variation, residue mobility, and thermodynamic stability) performed at Invitae indicates that this missense variant is expected to disrupt CBS protein function. This variant has not been reported in the literature in individuals affected with CBS-related conditions. This variant is not present in population databases (gnomAD no frequency). This sequence change replaces arginine, which is basic and polar, with serine, which is neutral and polar, at codon 336 of the CBS protein (p.Arg336Ser).

Literature cited by the submitters: PubMed 9870207; PubMed 22267502; PubMed 23974653; PubMed 25218699.

NM_000071.3(CBS):c.1006C>A (p.Arg336Ser)

Gene: CBS (cystathionine beta-synthase; minus strand). Cytogenetic location: 21q22.3.
Variant type: single nucleotide variant.
Coding change: c.1006C>A on transcript NM_000071.3 (MANE Select); coding-DNA position 1006, C replaced by A.
Protein change: p.Arg336Ser; replaces arginine 336 with serine.
Molecular consequence: missense variant.
Genome position (GRCh38, 1-based): chr21:43,062,344, G>T on the plus strand (C>A on the coding strand, the complement: CBS is on the minus strand). VCF-style: chr21-43062344-G-T. GRCh37 (hg19) VCF-style: chr21-44482454-G-T.
Other names: c.1006C>A, p.Arg336Ser (NM_001178008.3, NM_001178009.3, NM_001320298.2); c.691C>A, p.Arg231Ser (NM_001321072.1); short protein forms R231S, R336S.
Identifiers: ClinVar variation 2743697 (VCV002743697.3), dbSNP rs398123151, ClinGen allele CA410599800.